The following is an entry in ClinVar:

NM_000212.3(ITGB3):c.953del (p.Leu318fs)

Gene: ITGB3 (integrin subunit beta 3; plus strand). Cytogenetic location: 17q21.32.
Variant type: Deletion.
Coding change: c.953del on transcript NM_000212.3 (MANE Select); coding-DNA position 953, one base deleted (T; older notation c.953delT).
Protein change: p.Leu318fs; shifts the reading frame from leucine 318.
Molecular consequence: frameshift variant.
Genome position (GRCh38, 1-based): chr17:47,289,694, T deleted; the last of 3 consecutive T bases (chr17:47,289,692-47,289,694); deleting any one gives the same sequence. VCF-style (leftmost placement, unchanged base first): chr17-47289691-CT-C. GRCh37 (hg19) VCF-style: chr17-45367057-CT-C.
Other names: c.953delT (NM_000212.3); short protein forms L318fs.
Identifiers: ClinVar variation 4850477 (VCV004850477.1).

ClinVar aggregate classification (germline): Likely pathogenic (1 of 4 stars; one submission).

Conditions:
Glanzmann thrombasthenia 2. Also called: BLEEDING DISORDER, PLATELET-TYPE, 23. Identifiers: MedGen C5543273, MONDO:0031009, OMIM 619267.

Submission:

First Genomix Gene Laboratory, Genetic Diagnostics Department
Classification: Likely pathogenic for Glanzmann thrombasthenia 2. Last evaluated: 2025-08-22. Review status: criteria provided, single submitter. Criteria: ACMG Guidelines, 2015. Collection method: clinical testing. Allele origin: germline. Inheritance: Autosomal recessive inheritance. Affected: no. Observed: 1 variant allele.